The following is an entry in ClinVar:

NM_015021.3(ZNF292):c.988A>G (p.Ile330Val)

Gene: ZNF292 (zinc finger protein 292; plus strand). Cytogenetic location: 6q14.3.
Variant type: single nucleotide variant.
Coding change: c.988A>G on transcript NM_015021.3 (MANE Select); coding-DNA position 988, A replaced by G.
Protein change: p.Ile330Val; replaces isoleucine 330 with valine.
Molecular consequence: missense variant.
Genome position (GRCh38, 1-based): chr6:87,245,612, A>G. VCF-style: chr6-87245612-A-G. GRCh37 (hg19) VCF-style: chr6-87955330-A-G.
Other names: c.568A>G, p.Ile190Val (NM_001351444.2); short protein forms I190V, I330V.
Identifiers: ClinVar variation 3475125 (VCV003475125.5).

ClinVar aggregate classification (germline): Likely benign. Review status: criteria provided, multiple submitters, no conflicts (2 of 4 stars). 2 submissions from 2 submitters: Likely benign (2). Last evaluated 2026-01-01.

Conditions:
Inborn genetic diseases. Identifiers: MedGen C0950123, MeSH D030342.

gnomAD v4.1: 93 of 1,529,340 alleles (0.0061%); highest among the groups gnomAD compares: Non-Finnish European, 0.0083%; no homozygotes.

Submissions (2):

CeGaT Center for Human Genetics Tuebingen
Classification: Likely benign. Last evaluated: 2026-01-01. Review status: criteria provided, single submitter. Criteria: CeGaT Center For Human Genetics Tuebingen Variant Classification Criteria Version 2. Collection method: clinical testing. Allele origin: germline. Affected: yes. Observed: 1 variant allele.
Comment: ZNF292: BS2

Ambry Genetics
Classification: Likely benign for Inborn genetic diseases. Last evaluated: 2024-09-30. Review status: criteria provided, single submitter. Criteria: Ambry Variant Classification Scheme 2023. Collection method: clinical testing. Allele origin: germline.